The following is an entry in ClinVar:

ClinVar aggregate classification (germline): Uncertain significance (1 of 4 stars; one submission).

Conditions:
Catecholaminergic polymorphic ventricular tachycardia 1. Also called: RYR2-Related Catecholaminergic Polymorphic Ventricular Tachycardia; VENTRICULAR TACHYCARDIA, CATECHOLAMINERGIC POLYMORPHIC, 1, WITH OR WITHOUT ATRIAL DYSFUNCTION AND/OR DILATED CARDIOMYOPATHY; VENTRICULAR TACHYCARDIA, STRESS-INDUCED POLYMORPHIC 1. Identifiers: Orphanet 3286, MedGen C1631597, MONDO:0011484, OMIM 604772.

Submission:

Labcorp Genetics (formerly Invitae), Labcorp
Classification: Uncertain significance for Catecholaminergic polymorphic ventricular tachycardia 1. Last evaluated: 2025-04-17. Review status: criteria provided, single submitter. Criteria: Invitae Variant Classification Sherloc (09022015). Collection method: clinical testing. Allele origin: germline.
Comment: This sequence change replaces aspartic acid, which is acidic and polar, with glutamic acid, which is acidic and polar, at codon 307 of the CASQ2 protein (p.Asp307Glu). This variant is not present in population databases (gnomAD no frequency). This variant has not been reported in the literature in individuals affected with CASQ2-related conditions. Invitae Evidence Modeling of protein sequence and biophysical properties (such as structural, functional, and spatial information, amino acid conservation, physicochemical variation, residue mobility, and thermodynamic stability) has been performed for this missense variant. However, the output from this modeling did not meet the statistical confidence thresholds required to predict the impact of this variant on CASQ2 protein function. This variant disrupts the p.Asp307 amino acid residue in CASQ2. Other variant(s) that disrupt this residue have been determined to be pathogenic (PMID: 11401939, 11704930, 14715535, 17607358). This suggests that this residue is clinically significant, and that variants that disrupt this residue are likely to be disease-causing. In summary, the available evidence is currently insufficient to determine the role of this variant in disease. Therefore, it has been classified as a Variant of Uncertain Significance.

Literature cited by the submitters: PubMed 11401939; PubMed 11704930; PubMed 14715535; PubMed 17607358.

NM_001232.4(CASQ2):c.921C>G (p.Asp307Glu)

Gene: CASQ2 (calsequestrin 2; minus strand). Cytogenetic location: 1p13.1.
Variant type: single nucleotide variant.
Coding change: c.921C>G on transcript NM_001232.4 (MANE Select); coding-DNA position 921, C replaced by G.
Protein change: p.Asp307Glu; replaces aspartic acid 307 with glutamic acid.
Molecular consequence: missense variant.
Genome position (GRCh38, 1-based): chr1:115,705,210, G>C on the plus strand (C>G on the coding strand, the complement: CASQ2 is on the minus strand). VCF-style: chr1-115705210-G-C. GRCh37 (hg19) VCF-style: chr1-116247831-G-C.
Other names: short protein forms D307E.
Identifiers: ClinVar variation 4711049 (VCV004711049.1).